The following is an entry in ClinVar:

ClinVar aggregate classification (somatic clinical impact): Tier II - Potential (1 of 4 stars; one submission).

Conditions:
Medulloblastoma WNT activated. Identifiers: MedGen C4331965, MONDO:0850196.

Submission:

Institute for Genomic Medicine (IGM) Clinical Laboratory, Nationwide Children's Hospital
Classification: Tier II - Potential for Medulloblastoma WNT activated. Assertion type: diagnostic. Clinical significance: supports diagnosis. Last evaluated: 2025-10-14. Review status: criteria provided, single submitter. Criteria: AMP/ASCO/CAP Guidelines, 2017. Collection method: clinical testing. Allele origin: somatic. Affected: yes.
Comment: Variant has Tier II (potential) clinical significance as a diagnostic inclusion criterion in medulloblastoma WNT activated, based on the following evidence: 1) Appears in one or more well-established professional guidelines (e.g., World Health Organization [WHO]; National Comprehensive Cancer Network [NCCN]) as providing diagnostic, prognostic, or therapeutic information. 2) Diagnostic significance based on multiple small studies (Evidence Level C; PMIDs: 21163964, 28726821, 22820256, 22832583, 22722829).

Literature cited by the submitters: PubMed 21163964; PubMed 28726821; PubMed 22820256; PubMed 22832583; PubMed 22722829.

NM_003072.5(SMARCA4):c.3555_3560dup (p.Gln1187_Asp1188insAlaGln)

Gene: SMARCA4 (SWI/SNF related BAF chromatin remodeling complex subunit ATPase 4; plus strand). Cytogenetic location: 19p13.2.
Variant type: Duplication.
Coding change: c.3555_3560dup on transcript NM_003072.5 (MANE Select); coding-DNA positions 3555 to 3560, 6 bases duplicated (AGCGCA; older notation c.3555_3560dupAGCGCA).
Protein change: p.Gln1187_Asp1188insAlaGln.
Molecular consequence: non-coding transcript variant (on NR_164683.1).
Genome position (GRCh38, 1-based): chr19:11,033,298-11,033,303, AGCGCA duplicated; duplicating any 6 consecutive bases within chr19:11,033,295-11,033,303 gives the same sequence; the c. name uses the placement nearest the transcript's 3' end. VCF-style (leftmost placement, unchanged base first): chr19-11033294-T-TGCAAGC. GRCh37 (hg19) VCF-style: chr19-11143970-T-TGCAAGC.
Other names: c.3555_3560dup, p.Gln1187_Asp1188insAlaGln (NM_001387283.1, NM_001411150.1, NM_001128844.3 and 6 more transcripts).
Identifiers: ClinVar variation 4530284 (VCV004530284.1).